The following is an entry in ClinVar:

NM_015340.4(LARS2):c.2072G>A (p.Trp691Ter)

Gene: LARS2 (leucyl-tRNA synthetase 2, mitochondrial; plus strand). Cytogenetic location: 3p21.31.
Variant type: single nucleotide variant.
Coding change: c.2072G>A on transcript NM_015340.4 (MANE Select); coding-DNA position 2072, G replaced by A.
Protein change: p.Trp691Ter; replaces tryptophan 691 with a stop codon.
Molecular consequence: nonsense.
Genome position (GRCh38, 1-based): chr3:45,517,930, G>A. VCF-style: chr3-45517930-G-A. GRCh37 (hg19) VCF-style: chr3-45559422-G-A.
Other names: c.2072G>A, p.Trp691Ter (NM_001368263.1); short protein forms W691*.
Identifiers: ClinVar variation 1708965 (VCV001708965.2), dbSNP rs2529102620, ClinGen allele CA352428674.

ClinVar aggregate classification (germline): Likely pathogenic (1 of 4 stars; one submission).

Conditions:
Perrault syndrome 4 (PRLTS4). Identifiers: Orphanet 2855, MedGen C3809105, MONDO:0014126, OMIM 615300.

Submission:

MGZ Medical Genetics Center
Classification: Likely pathogenic for Perrault syndrome 4. Last evaluated: 2021-11-16. Review status: criteria provided, single submitter. Criteria: ACMG Guidelines, 2015. Collection method: clinical testing. Allele origin: germline. Affected: yes. Observed: 2 variant alleles.
Comment: ACMG criteria applied: PVS1, PM2_SUP